The following is an entry in ClinVar:

NM_020549.5(CHAT):c.769G>A (p.Asp257Asn)

Gene: CHAT (choline O-acetyltransferase; plus strand). Cytogenetic location: 10q11.23.
Variant type: single nucleotide variant.
Coding change: c.769G>A on transcript NM_020549.5 (MANE Select); coding-DNA position 769, G replaced by A.
Protein change: p.Asp257Asn; replaces aspartic acid 257 with asparagine.
Molecular consequence: missense variant.
Genome position (GRCh38, 1-based): chr10:49,625,489, G>A. VCF-style: chr10-49625489-G-A. GRCh37 (hg19) VCF-style: chr10-50833535-G-A.
Other names: c.415G>A, p.Asp139Asn (NM_001142929.2, NM_001142934.2, NM_020984.4 and 2 more transcripts); c.523G>A, p.Asp175Asn (NM_001142933.2); short protein forms D139N, D257N, D175N.
Identifiers: ClinVar variation 582816 (VCV000582816.6), dbSNP rs1564475567, ClinGen allele CA376729612.

ClinVar aggregate classification (germline): Uncertain significance (1 of 4 stars; one submission).

Conditions:
Familial infantile myasthenia (CMS6). Also called: MYASTHENIC SYNDROME, CONGENITAL, 6, PRESYNAPTIC; MYASTHENIC SYNDROME, PRESYNAPTIC, CONGENITAL, ASSOCIATED WITH EPISODIC APNEA; Congenital myasthenic syndrome type 6. Identifiers: Orphanet 590, MedGen C0393929, MONDO:0009689, OMIM 254210.

Submission:

Labcorp Genetics (formerly Invitae), Labcorp
Classification: Uncertain significance for Familial infantile myasthenia. Last evaluated: 2021-08-20. Review status: criteria provided, single submitter. Criteria: Invitae Variant Classification Sherloc (09022015). Collection method: clinical testing. Allele origin: germline.
Comment: This sequence change replaces aspartic acid with asparagine at codon 257 of the CHAT protein (p.Asp257Asn). The aspartic acid residue is moderately conserved and there is a small physicochemical difference between aspartic acid and asparagine. This variant is not present in population databases (ExAC no frequency). This variant has not been reported in the literature in individuals affected with CHAT-related conditions. Algorithms developed to predict the effect of missense changes on protein structure and function are either unavailable or do not agree on the potential impact of this missense change (SIFT: "Tolerated"; PolyPhen-2: "Probably Damaging"; Align-GVGD: "Class C0"). In summary, the available evidence is currently insufficient to determine the role of this variant in disease. Therefore, it has been classified as a Variant of Uncertain Significance.